The following is an entry in ClinVar:

NM_170754.4(TNS2):c.2497C>T (p.Pro833Ser)

Gene: TNS2 (tensin 2; plus strand). Cytogenetic location: 12q13.13.
Variant type: single nucleotide variant.
Coding change: c.2497C>T on transcript NM_170754.4 (MANE Select); coding-DNA position 2497, C replaced by T.
Protein change: p.Pro833Ser; replaces proline 833 with serine.
Molecular consequence: missense variant.
Genome position (GRCh38, 1-based): chr12:53,060,138, C>T. VCF-style: chr12-53060138-C-T. GRCh37 (hg19) VCF-style: chr12-53453922-C-T.
Other names: c.2497C>T, p.Pro833Ser (NM_001416202.1); c.2455C>T, p.Pro819Ser (NM_001416203.1); c.2524C>T, p.Pro842Ser (NM_001416204.1); c.2428C>T, p.Pro810Ser (NM_015319.3); c.2125C>T, p.Pro709Ser (NM_198316.2); short protein forms P709S, P833S, P843S, P810S, P819S, P842S.
Identifiers: ClinVar variation 2059432 (VCV002059432.5), dbSNP rs138423123, ClinGen allele CA6592606.

ClinVar aggregate classification (germline): Likely benign. Review status: criteria provided, single submitter (1 of 4 stars). 2 submissions from 2 submitters: Likely benign (1). 1 of the submissions does not count toward it. Last evaluated 2025-12-20.

Conditions:
TNS2-related disorder. Also called: TNS2-related condition.

Allele frequency attached by ClinVar (database versions not stated): gnomAD exomes 0.00010; ExAC 0.00026; gnomAD 0.00082; 1000 Genomes Project 30x 0.00094; 1000 Genomes Project 0.00100; TOPMed 0.00111; ESP Exome Variant Server 0.00115.
gnomAD v4.1: 281 of 1,610,252 alleles (0.017%); highest among the groups gnomAD compares: African/African-American, 0.33%; no homozygotes.

Submissions (2):

Labcorp Genetics (formerly Invitae), Labcorp
Classification: Likely benign. Last evaluated: 2025-12-20. Review status: criteria provided, single submitter. Criteria: Invitae Variant Classification Sherloc (09022015). Collection method: clinical testing. Allele origin: germline.

PreventionGenetics, part of Exact Sciences
Classification: Likely benign for TNS2-related condition. Last evaluated: 2024-04-26. Review status: no assertion criteria provided. Collection method: clinical testing. Allele origin: germline. Not counted in ClinVar's aggregate classification.
Comment: This variant is classified as likely benign based on ACMG/AMP sequence variant interpretation guidelines (Richards et al. 2015 PMID: 25741868, with internal and published modifications).